The following is an entry in ClinVar:

ClinVar aggregate classification (germline): Uncertain significance. Review status: criteria provided, multiple submitters, no conflicts (2 of 4 stars). 2 submissions from 2 submitters: Uncertain significance (2). Last evaluated 2024-09-25.

Conditions:
Hereditary pheochromocytoma and paraganglioma. Also called: Hereditary paragangliomas and pheochromocytomas; Hereditary pheochromocytoma-paraganglioma; Hereditary Paraganglioma-Pheochromocytoma Syndromes. Identifiers: Orphanet 29072, MedGen C4274332, MONDO:0017366.
Hereditary cancer-predisposing syndrome. Also called: Tumor predisposition; Hereditary Cancer Syndrome; Hereditary neoplastic syndrome; Neoplastic Syndromes, Hereditary. Identifiers: Orphanet 140162, MedGen C0027672, MeSH D009386, MONDO:0015356.

Allele frequency attached by ClinVar (database versions not stated): gnomAD exomes below 0.00001; ExAC 0.00001.
gnomAD v4.1: 1 of 1,614,098 alleles (0.000062%); highest among the groups gnomAD compares: Non-Finnish European, 0.000085%; no homozygotes.

Submissions (2):

Labcorp Genetics (formerly Invitae), Labcorp
Classification: Uncertain significance for Hereditary pheochromocytoma and paraganglioma. Last evaluated: 2024-09-25. Review status: criteria provided, single submitter. Criteria: Invitae Variant Classification Sherloc (09022015). Collection method: clinical testing. Allele origin: germline.
Comment: This sequence change replaces isoleucine, which is neutral and non-polar, with methionine, which is neutral and non-polar, at codon 109 of the SDHAF2 protein (p.Ile109Met). This variant is present in population databases (rs757670376, gnomAD 0.0009%). This variant has not been reported in the literature in individuals affected with SDHAF2-related conditions. ClinVar contains an entry for this variant (Variation ID: 653684). An algorithm developed to predict the effect of missense changes on protein structure and function (PolyPhen-2) suggests that this variant is likely to be disruptive. In summary, the available evidence is currently insufficient to determine the role of this variant in disease. Therefore, it has been classified as a Variant of Uncertain Significance.

Ambry Genetics
Classification: Uncertain significance for Hereditary cancer-predisposing syndrome. Last evaluated: 2022-01-15. Review status: criteria provided, single submitter. Criteria: Ambry Variant Classification Scheme 2023. Collection method: clinical testing. Allele origin: germline.
Comment: The p.I109M variant (also known as c.327T>G), located in coding exon 3 of the SDHAF2 gene, results from a T to G substitution at nucleotide position 327. The isoleucine at codon 109 is replaced by methionine, an amino acid with highly similar properties. This amino acid position is conserved. In addition, this alteration is predicted to be deleterious by in silico analysis. Since supporting evidence is limited at this time, the clinical significance of this alteration remains unclear.

NM_017841.4(SDHAF2):c.327T>G (p.Ile109Met)

Gene: SDHAF2 (succinate dehydrogenase complex assembly factor 2; plus strand). Cytogenetic location: 11q12.2.
Variant type: single nucleotide variant.
Coding change: c.327T>G on transcript NM_017841.4 (MANE Select); coding-DNA position 327, T replaced by G.
Protein change: p.Ile109Met; replaces isoleucine 109 with methionine.
Molecular consequence: missense variant.
Genome position (GRCh38, 1-based): chr11:61,438,070, T>G. VCF-style: chr11-61438070-T-G. GRCh37 (hg19) VCF-style: chr11-61205542-T-G.
Other names: short protein forms I109M.
Identifiers: ClinVar variation 653684 (VCV000653684.13), dbSNP rs757670376, ClinGen allele CA058465.